The following is an entry in ClinVar:

NM_201599.3(ZMYM3):c.3313G>A (p.Ala1105Thr)

Gene: ZMYM3 (zinc finger MYM-type containing 3; minus strand). Cytogenetic location: Xq13.1.
Variant type: single nucleotide variant.
Coding change: c.3313G>A on transcript NM_201599.3 (MANE Select); coding-DNA position 3313, G replaced by A.
Protein change: p.Ala1105Thr; replaces alanine 1105 with threonine.
Molecular consequence: missense variant.
Genome position (GRCh38, 1-based): chrX:71,243,948, C>T on the plus strand (G>A on the coding strand, the complement: ZMYM3 is on the minus strand). VCF-style: chrX-71243948-C-T. GRCh37 (hg19) VCF-style: chrX-70463798-C-T.
Other names: c.3277G>A, p.Ala1093Thr (NM_001171162.1); c.3313G>A, p.Ala1105Thr (NM_005096.3); short protein forms A1093T, A1105T.
Identifiers: ClinVar variation 3373604 (VCV003373604.3).

ClinVar aggregate classification (germline): Uncertain significance. Review status: criteria provided, multiple submitters, no conflicts (2 of 4 stars). 2 submissions from 2 submitters: Uncertain significance (2). Last evaluated 2025-01-05.

gnomAD v4.1: 1 of 1,211,399 alleles (0.000083%); highest among the groups gnomAD compares: Non-Finnish European, 0.00011%; no homozygotes.

Submissions (2):

GeneDx
Classification: Uncertain significance. Last evaluated: 2025-01-05. Review status: criteria provided, single submitter. Criteria: GeneDx Variant Classification Process June 2021. Collection method: clinical testing. Allele origin: germline. Affected: yes.
Comment: Not observed at significant frequency in large population cohorts (gnomAD); In silico analysis indicates that this missense variant does not alter protein structure/function; Has not been previously published as pathogenic or benign to our knowledge

Blueprint Genetics
Classification: Uncertain significance. Last evaluated: 2019-10-15. Review status: criteria provided, single submitter. Criteria: ACMG Guidelines, 2015. Collection method: clinical testing. Allele origin: germline.